The following is an entry in ClinVar:

ClinVar aggregate classification (germline): Uncertain significance (1 of 4 stars; one submission).

Conditions:
Kabuki syndrome. Also called: NIIKAWA-KUROKI SYNDROME; Kabuki make-up syndrome. Identifiers: Orphanet 2322, MedGen C0796004, MONDO:0016512.

Allele frequency attached by ClinVar (database versions not stated): gnomAD exomes below 0.00001; ExAC 0.00001.
gnomAD v4.1: 2 of 1,611,326 alleles (0.00012%); highest among the groups gnomAD compares: Non-Finnish European, 0.00017%; no homozygotes.

Submission:

Labcorp Genetics (formerly Invitae), Labcorp
Classification: Uncertain significance for Kabuki syndrome. Last evaluated: 2023-10-10. Review status: criteria provided, single submitter. Criteria: Invitae Variant Classification Sherloc (09022015). Collection method: clinical testing. Allele origin: germline.
Comment: This sequence change replaces proline, which is neutral and non-polar, with leucine, which is neutral and non-polar, at codon 1093 of the KMT2D protein (p.Pro1093Leu). This variant is not present in population databases (gnomAD no frequency). This variant has not been reported in the literature in individuals affected with KMT2D-related conditions. Advanced modeling of protein sequence and biophysical properties (such as structural, functional, and spatial information, amino acid conservation, physicochemical variation, residue mobility, and thermodynamic stability) performed at Invitae indicates that this missense variant is not expected to disrupt KMT2D protein function. In summary, the available evidence is currently insufficient to determine the role of this variant in disease. Therefore, it has been classified as a Variant of Uncertain Significance.

NM_003482.4(KMT2D):c.3278C>T (p.Pro1093Leu)

Gene: KMT2D (lysine methyltransferase 2D; minus strand). Cytogenetic location: 12q13.12.
Variant type: single nucleotide variant.
Coding change: c.3278C>T on transcript NM_003482.4 (MANE Select); coding-DNA position 3278, C replaced by T.
Protein change: p.Pro1093Leu; replaces proline 1093 with leucine.
Molecular consequence: missense variant.
Genome position (GRCh38, 1-based): chr12:49,050,310, G>A on the plus strand (C>T on the coding strand, the complement: KMT2D is on the minus strand). VCF-style: chr12-49050310-G-A. GRCh37 (hg19) VCF-style: chr12-49444093-G-A.
Other names: short protein forms P1093L.
Identifiers: ClinVar variation 2972218 (VCV002972218.3), dbSNP rs747261463, ClinGen allele CA6548086.
Genomic context (GRCh38, chr12:49,050,310, plus strand): 5'-TCCAGGGCTGGGGCAGGGCTGGGGGCGGGGCAGGAAAGGTCCCCCATTGGGGAAGGGAGA[G>A]GACTGGTGGCACTGGGTTCCAAGGCTGGGCATTCAGGTTCTGAAACTTTCTCAGTCTCCA-3'
Protein context (NP_003473.3, residues 1083-1103): CPALEPSATS[Pro1093Leu]LPSPMGDLSC